The following is an entry in ClinVar:

ClinVar aggregate classification (germline): Uncertain significance (1 of 4 stars; one submission).

Submission:

GeneDx
Classification: Uncertain significance. Last evaluated: 2025-05-07. Review status: criteria provided, single submitter. Criteria: GeneDx Variant Classification Process June 2021. Collection method: clinical testing. Allele origin: germline. Affected: yes.
Comment: Not observed at significant frequency in large population cohorts (gnomAD); Frameshift variant predicted to result in protein truncation or nonsense mediated decay in a gene or region of a gene for which loss of function is not a well-established mechanism of disease; Has not been previously published as pathogenic or benign to our knowledge; Variants in candidate genes are classified as variants of uncertain significance in accordance with ACMG guidelines (PMID: 25741868)

NM_024721.5(ZFHX4):c.1784del (p.Pro595fs)

Gene: ZFHX4 (zinc finger homeobox 4; plus strand). Cytogenetic location: 8q21.13.
Variant type: Deletion.
Coding change: c.1784del on transcript NM_024721.5 (MANE Select); coding-DNA position 1784, one base deleted (C; older notation c.1784delC).
Protein change: p.Pro595fs; shifts the reading frame from proline 595.
Molecular consequence: frameshift variant.
Genome position (GRCh38, 1-based): chr8:76,705,872, C deleted; the last of 4 consecutive C bases (chr8:76,705,869-76,705,872); deleting any one gives the same sequence. VCF-style (leftmost placement, unchanged base first): chr8-76705868-AC-A. GRCh37 (hg19) VCF-style: chr8-77618103-AC-A.
Other names: c.1784del, p.Pro595fs (NM_001410934.1); short protein forms P595fs.
Identifiers: ClinVar variation 4527769 (VCV004527769.1).
Genomic context (GRCh38, chr8:76,705,868, plus strand): 5'-CCAAGTGAAATAGCCCGGGGAGACGAAGACAGTTCAGCCACTCCTCACCAGCATGGCTTT[AC>A]CCCGAGTACTCCTGGCACACCAGGGCCTGGAGGAGACGGCTCACCGGGCAGTGGCATCGA-3'